The following is an entry in ClinVar:

ClinVar aggregate classification (germline): Conflicting classifications of pathogenicity. Review status: criteria provided, conflicting classifications (1 of 4 stars). 20 submissions from 16 submitters: Uncertain significance (1); Benign (13); Likely benign (1). 5 of the submissions do not count toward it. Last evaluated 2026-02-03.

Conditions:
Diabetes mellitus, permanent neonatal 2. Also called: KCNJ11-Related Permanent Neonatal Diabetes Mellitus. Identifiers: MedGen C5394296, MONDO:0030087, OMIM 618856.
Monogenic diabetes. Identifiers: Orphanet 183625, MedGen C3888631, MONDO:0015967.
Maturity-onset diabetes of the young type 13. Also called: MODY, TYPE 13. Identifiers: Orphanet 552, MedGen C4225365, MONDO:0014589, OMIM 616329.
Maturity-onset diabetes of the young (MODY). Also called: Maturity onset diabetes mellitus in young. Identifiers: Orphanet 552, MedGen C0342276, MONDO:0018911, HP:0004904.
Diabetes mellitus, transient neonatal, 3 (TNDM3). Identifiers: Orphanet 99886, MedGen C1864623, MONDO:0012522, OMIM 610582. Disease mechanism: loss of function.
Permanent neonatal diabetes mellitus (PNDM). Identifiers: Orphanet 99885, MedGen C1833104, MONDO:0100164, MONDO:0011643. Disease mechanism: gain of function.
Hyperinsulinemic hypoglycemia, familial, 2. Also called: HYPERINSULINEMIC HYPOGLYCEMIA, PERSISTENT; HYPERINSULINISM, NEONATAL. Identifiers: Orphanet 276580, Orphanet 276603, MedGen C2931833, MONDO:0011153, OMIM 601820. Disease mechanism: loss of function.

Allele frequency attached by ClinVar (database versions not stated): gnomAD 0.03694 and 0.03859; 1000 Genomes Project 0.01518; 1000 Genomes Project 30x 0.01577; TOPMed 0.03072; ESP Exome Variant Server 0.03342.
gnomAD v4.1: 64,893 of 1,614,186 alleles (4%); highest among the groups gnomAD compares: Middle Eastern, 4.3%; 1,728 homozygotes.

Submissions (20):

Labcorp Genetics (formerly Invitae), Labcorp
Classification: Benign. Last evaluated: 2026-02-03. Review status: criteria provided, single submitter. Criteria: Invitae Variant Classification Sherloc (09022015). Collection method: clinical testing. Allele origin: germline.

Blueprint Genetics
Classification: Benign. Last evaluated: 2024-11-27. Review status: criteria provided, single submitter. Criteria: ACMG Guidelines, 2015. Collection method: clinical testing. Allele origin: germline.

Pars Genome Lab
Classification: Benign for Diabetes mellitus, transient neonatal, 3. Last evaluated: 2021-07-01. Review status: criteria provided, single submitter. Criteria: ACMG Guidelines, 2015. Collection method: clinical testing. Allele origin: germline. Affected: no.

Pars Genome Lab
Classification: Benign for Diabetes mellitus, permanent neonatal 2. Last evaluated: 2021-07-01. Review status: criteria provided, single submitter. Criteria: ACMG Guidelines, 2015. Collection method: clinical testing. Allele origin: germline. Affected: no.

Pars Genome Lab
Classification: Benign for Hyperinsulinemic hypoglycemia, familial, 2. Last evaluated: 2021-07-01. Review status: criteria provided, single submitter. Criteria: ACMG Guidelines, 2015. Collection method: clinical testing. Allele origin: germline. Affected: no.

Personalized Diabetes Medicine Program, University of Maryland School of Medicine
Classification: Benign for Monogenic diabetes. Last evaluated: 2019-02-22. Review status: criteria provided, single submitter. Criteria: ACMG Guidelines, 2015. Collection method: research. Allele origin: unknown. Observed: 27 variant alleles, 25 heterozygotes, 2 homozygotes.
Comment: ACMG criteria: BA1 (4% overall MAF in gnomAD, 11% MAF in EF, 6.8% in AJ), BS2 (936 cases and 916 controls in T2DM): benign (Revel score 0.344 + PP3 (4 predictors) + BP4 (5 predictors): conflicing evidence, not using; no longer using BP6)

GeneDx
Classification: Benign. Last evaluated: 2018-09-04. Review status: criteria provided, single submitter. Criteria: GeneDx Variant Classification Process June 2021. Collection method: clinical testing. Allele origin: germline. Affected: yes.
Comment: This variant is associated with the following publications: (PMID: 25972930)

Illumina Laboratory Services, Illumina
Classification: Benign for Maturity-onset diabetes of the young type 13. Last evaluated: 2018-01-13. Review status: criteria provided, single submitter. Criteria: ICSL Variant Classification Criteria 13 December 2019. Collection method: clinical testing. Allele origin: germline.
Comment: This variant was observed in the ICSL laboratory as part of a predisposition screen in an ostensibly healthy population. It had not been previously curated by ICSL or reported in the Human Gene Mutation Database (HGMD: prior to June 1st, 2018), and was therefore a candidate for classification through an automated scoring system. Utilizing variant allele frequency, disease prevalence and penetrance estimates, and inheritance mode, an automated score was calculated to assess if this variant is too frequent to cause the disease. Based on the score and internal cut-off values, a variant classified as benign is not then subjected to further curation. The score for this variant resulted in a classification of benign for this disease.

Illumina Laboratory Services, Illumina
Classification: Likely benign for Hyperinsulinemic hypoglycemia, familial, 2. Last evaluated: 2018-01-13. Review status: criteria provided, single submitter. Criteria: ICSL Variant Classification Criteria 13 December 2019. Collection method: clinical testing. Allele origin: germline.
Comment: This variant was observed in the ICSL laboratory as part of a predisposition screen in an ostensibly healthy population. It had not been previously curated by ICSL or reported in the Human Gene Mutation Database (HGMD: prior to June 1st, 2018), and was therefore a candidate for classification through an automated scoring system. Utilizing variant allele frequency, disease prevalence and penetrance estimates, and inheritance mode, an automated score was calculated to assess if this variant is too frequent to cause the disease. Based on the score and internal cut-off values, a variant classified as likely benign is not then subjected to further curation. The score for this variant resulted in a classification of likely benign for this disease.

Illumina Laboratory Services, Illumina
Classification: Benign for Diabetes mellitus, transient neonatal, 3. Last evaluated: 2018-01-13. Review status: criteria provided, single submitter. Criteria: ICSL Variant Classification Criteria 13 December 2019. Collection method: clinical testing. Allele origin: germline.
Comment: the same text as in the submission from Illumina Laboratory Services, Illumina above.

Athena Diagnostics
Classification: Benign for Hyperinsulinemic hypoglycemia, familial, 2. Last evaluated: 2017-05-19. Review status: criteria provided, single submitter. Criteria: Athena Diagnostics Criteria. Collection method: clinical testing. Allele origin: germline.

Eurofins Ntd Llc (ga)
Classification: Benign. Last evaluated: 2016-03-25. Review status: criteria provided, single submitter. Criteria: EGL Classification Definitions 2015. Collection method: clinical testing. Allele origin: germline. Observed: 2 variant alleles, 2 heterozygotes.

Genetic Services Laboratory, University of Chicago
Classification: Benign. Last evaluated: 2013-02-08. Review status: criteria provided, single submitter. Criteria: ACMG Guidelines, 2007. Collection method: clinical testing. Allele origin: germline. Inheritance: Autosomal unknown.

Clinical Genomics, Uppaluri K&H Personalized Medicine Clinic
Classification: Uncertain significance for Maturity-onset diabetes of the young. Review status: criteria provided, single submitter. Criteria: K&H Uppaluri Personalized Medicine Clinic Variant Classification & Assertion Criteria. Collection method: research. Allele origin: somatic. Inheritance: Autosomal dominant inheritance.
Comment: Mutations in the KCNJ11 gene can cause decreased production and secretion of insulin. This can lead to MODY which is responsive to oral sulfonylureas. However, the variant rs1800467 might not pose increased sensitivity to Type II Diabetes by itself but in combination with other variants in KCNJ11 or INS and HNF1A increase predisposition to insulin resistance.

PreventionGenetics, part of Exact Sciences
Classification: Benign. Review status: criteria provided, single submitter. Criteria: ACMG Guidelines, 2015. Collection method: clinical testing. Allele origin: germline.

Natera, Inc.
Classification: Benign for Permanent neonatal diabetes mellitus. Last evaluated: 2020-09-16. Review status: no assertion criteria provided. Collection method: clinical testing. Allele origin: germline. Not counted in ClinVar's aggregate classification.

Diagnostic Laboratory, Department of Genetics, University Medical Center Groningen
Classification: Benign. Review status: no assertion criteria provided. Collection method: clinical testing. Allele origin: germline. Affected: yes. Study: VKGL Data-share Consensus. Not counted in ClinVar's aggregate classification.

Genome Diagnostics Laboratory, University Medical Center Utrecht
Classification: Likely benign. Review status: no assertion criteria provided. Collection method: clinical testing. Allele origin: germline. Affected: yes. Study: VKGL Data-share Consensus. Not counted in ClinVar's aggregate classification.

Joint Genome Diagnostic Labs from Nijmegen and Maastricht, Radboudumc and MUMC+
Classification: Benign. Review status: no assertion criteria provided. Collection method: clinical testing. Allele origin: germline. Affected: yes. Study: VKGL Data-share Consensus. Not counted in ClinVar's aggregate classification.

Laboratory of Diagnostic Genome Analysis, Leiden University Medical Center (LUMC)
Classification: Benign. Review status: no assertion criteria provided. Collection method: clinical testing. Allele origin: germline. Affected: yes. Study: VKGL Data-share Consensus. Not counted in ClinVar's aggregate classification.

Literature cited by the submitters: PubMed 25247988 (cited by Clinical Genomics, Uppaluri K&H Personalized Medicine Clinic); PubMed 33324081 (cited by Clinical Genomics, Uppaluri K&H Personalized Medicine Clinic).

NM_000525.4(KCNJ11):c.808C>G (p.Leu270Val)

Gene: KCNJ11 (potassium inwardly rectifying channel subfamily J member 11; minus strand). Cytogenetic location: 11p15.1.
Variant type: single nucleotide variant.
Coding change: c.808C>G on transcript NM_000525.4 (MANE Select); coding-DNA position 808, C replaced by G.
Protein change: p.Leu270Val; replaces leucine 270 with valine.
Molecular consequence: missense variant.
Genome position (GRCh38, 1-based): chr11:17,387,284, G>C on the plus strand (C>G on the coding strand, the complement: KCNJ11 is on the minus strand). VCF-style: chr11-17387284-G-C. GRCh37 (hg19) VCF-style: chr11-17408831-G-C.
Other names: c.547C>G, p.Leu183Val (NM_001166290.2, NM_001377296.1, NM_001377297.1); short protein forms L270V, L183V.
Identifiers: ClinVar variation 158685 (VCV000158685.37), dbSNP rs1800467, ClinGen allele CA172346.
Genomic context (GRCh38, chr11:17,387,284, plus strand): 5'-CGCCTTCCAGGATGACGATGATCTCGAGGTCCTGGTGGTGGTGCAGGTCGCTGGGTGCCA[G>C]GTCGTAGAGTGGGCTGTTGGCATCAATGACATGGTAGATGATCAGCGGGGCCACCAGGAA-3'
Protein context (NP_000516.3, residues 260-280): VIDANSPLYD[Leu270Val]APSDLHHHQD